The following is an entry in ClinVar:

ClinVar aggregate classification (germline): Uncertain significance (1 of 4 stars; one submission).

Conditions:
Hereditary cancer-predisposing syndrome. Also called: Hereditary Cancer Syndrome; Hereditary neoplastic syndrome; Neoplastic Syndromes, Hereditary; Tumor predisposition. Identifiers: Orphanet 140162, MedGen C0027672, MeSH D009386, MONDO:0015356.

Submission:

Ambry Genetics
Classification: Uncertain significance for Hereditary cancer-predisposing syndrome. Last evaluated: 2021-10-03. Review status: criteria provided, single submitter. Criteria: Ambry Variant Classification Scheme 2023. Collection method: clinical testing. Allele origin: germline.
Comment: The p.G492R variant (also known as c.1474G>C) is located in coding exon 10 of the BRIP1 gene. The glycine at codon 492 is replaced by arginine, an amino acid with dissimilar properties. This change occurs in the first base pair of coding exon 10. This amino acid position is conserved. In addition, this alteration is predicted to be tolerated by in silico analysis. Since supporting evidence is limited at this time, the clinical significance of this alteration remains unclear.

NM_032043.3(BRIP1):c.1474G>C (p.Gly492Arg)

Gene: BRIP1 (BRCA1 interacting DNA helicase 1; minus strand). Cytogenetic location: 17q23.2.
Variant type: single nucleotide variant.
Coding change: c.1474G>C on transcript NM_032043.3 (MANE Select); coding-DNA position 1474, G replaced by C.
Protein change: p.Gly492Arg; replaces glycine 492 with arginine.
Molecular consequence: missense variant.
Genome position (GRCh38, 1-based): chr17:61,784,424, C>G on the plus strand (G>C on the coding strand, the complement: BRIP1 is on the minus strand). VCF-style: chr17-61784424-C-G. GRCh37 (hg19) VCF-style: chr17-59861785-C-G.
Other names: short protein forms G492R.
Identifiers: ClinVar variation 1773443 (VCV001773443.2), dbSNP rs2145142389, ClinGen allele CA400481786.